The following is an entry in ClinVar:

NM_001346754.2(PIGW):c.1501_1502del (p.Val501fs)

Genes: MYO19 (myosin XIX; minus strand), PIGW (phosphatidylinositol glycan anchor biosynthesis class W; plus strand). Cytogenetic location: 17q12.
Variant type: Deletion.
Coding change: c.1501_1502del on transcript NM_001346754.2 (MANE Select); coding-DNA positions 1501 to 1502, 2 bases deleted (GT; older notation c.1501_1502delGT).
Protein change: p.Val501fs; shifts the reading frame from valine 501.
Molecular consequence: frameshift variant.
Genome position (GRCh38, 1-based): chr17:36,538,602-36,538,603, GT deleted; deleting any 2 consecutive bases within chr17:36,538,601-36,538,603 gives the same sequence; the c. name uses the placement nearest the transcript's 3' end. VCF-style (leftmost placement, unchanged base first): chr17-36538600-CTG-C. GRCh37 (hg19) VCF-style: chr17-34894449-CTG-C.
Other names: c.1501_1502del, p.Val501fs (NM_001346755.2, NM_178517.5); short protein forms V501fs.
Identifiers: ClinVar variation 1979861 (VCV001979861.3), dbSNP rs776328341, ClinGen allele CA290116917.
Genomic context (GRCh38, chr17:36,538,600, plus strand): 5'-TCAATCTCTATATGTTTTCCAACTGTTTAATTGTATATGTACTATATTTGCAAGATAAGA[CTG>C]TACAATTTTGGTGATCAGCAGGAGTAGGATATATAAGTATTTGGGCAATATTTAATGAGG-3'

ClinVar aggregate classification (germline): Uncertain significance (1 of 4 stars; one submission).

Conditions:
Hyperphosphatasia with intellectual disability syndrome 5 (GPIBD11). Also called: GLYCOSYLPHOSPHATIDYLINOSITOL BIOSYNTHESIS DEFECT 11. Identifiers: Orphanet 247262, MedGen C4014958, MONDO:0014457, OMIM 616025.

Submission:

Labcorp Genetics (formerly Invitae), Labcorp
Classification: Uncertain significance for Hyperphosphatasia with intellectual disability syndrome 5. Last evaluated: 2025-07-14. Review status: criteria provided, single submitter. Criteria: Invitae Variant Classification Sherloc (09022015). Collection method: clinical testing. Allele origin: germline.
Comment: This sequence change is expected to alter the c-terminus of the PIGW protein (p.Val501Thrfs*18). While this is not anticipated to result in nonsense mediated decay, it is expected to disrupt the last 4 amino acid(s) of the PIGW protein and extend the protein by 13 additional amino acid residues. This variant is present in population databases (rs776328341, gnomAD 0.01%). This variant has not been reported in the literature in individuals affected with PIGW-related conditions. ClinVar contains an entry for this variant (Variation ID: 1979861). Experimental studies and prediction algorithms are not available or were not evaluated, and the functional significance of this variant is currently unknown. In summary, the available evidence is currently insufficient to determine the role of this variant in disease. Therefore, it has been classified as a Variant of Uncertain Significance.